The following is an entry in ClinVar:

ClinVar aggregate classification (germline): Uncertain significance (1 of 4 stars; one submission).

Conditions:
Bethlem myopathy 1A. Also called: MYOPATHY, BENIGN CONGENITAL, WITH CONTRACTURES; Bethlem Muscular Dystrophy; Bethlem myopathy 1. Identifiers: Orphanet 610, MedGen CN029274, MONDO:0024530, OMIM 158810.

gnomAD v4.1: 1 of 1,606,120 alleles (0.000062%); no homozygotes.

Submission:

Labcorp Genetics (formerly Invitae), Labcorp
Classification: Uncertain significance for Bethlem myopathy 1A. Last evaluated: 2024-04-05. Review status: criteria provided, single submitter. Criteria: Invitae Variant Classification Sherloc (09022015). Collection method: clinical testing. Allele origin: germline.
Comment: This sequence change replaces glutamine, which is neutral and polar, with arginine, which is basic and polar, at codon 826 of the COL6A2 protein (p.Gln826Arg). This variant is not present in population databases (gnomAD no frequency). This variant has not been reported in the literature in individuals affected with COL6A2-related conditions. ClinVar contains an entry for this variant (Variation ID: 1414985). Advanced modeling of protein sequence and biophysical properties (such as structural, functional, and spatial information, amino acid conservation, physicochemical variation, residue mobility, and thermodynamic stability) performed at Invitae indicates that this missense variant is not expected to disrupt COL6A2 protein function with a negative predictive value of 80%. In summary, the available evidence is currently insufficient to determine the role of this variant in disease. Therefore, it has been classified as a Variant of Uncertain Significance.

NM_001849.4(COL6A2):c.2477A>G (p.Gln826Arg)

Gene: COL6A2 (collagen type VI alpha 2 chain; plus strand). Cytogenetic location: 21q22.3.
Variant type: single nucleotide variant.
Coding change: c.2477A>G on transcript NM_001849.4 (MANE Select); coding-DNA position 2477, A replaced by G.
Protein change: p.Gln826Arg; replaces glutamine 826 with arginine.
Molecular consequence: missense variant.
Genome position (GRCh38, 1-based): chr21:46,131,969, A>G. VCF-style: chr21-46131969-A-G. GRCh37 (hg19) VCF-style: chr21-47551883-A-G.
Other names: short protein forms Q826R.
Identifiers: ClinVar variation 1414985 (VCV001414985.8), dbSNP rs2078765932, ClinGen allele CA410547861.